The following is an entry in ClinVar:

ClinVar aggregate classification (germline): Uncertain significance. Review status: criteria provided, multiple submitters, no conflicts (2 of 4 stars). 3 submissions from 3 submitters: Uncertain significance (3). Last evaluated 2024-12-26.

Conditions:
Inborn genetic diseases. Identifiers: MedGen C0950123, MeSH D030342.
Developmental and epileptic encephalopathy. Identifiers: MedGen C5779964, MONDO:0100620.

Allele frequency attached by ClinVar (database versions not stated): gnomAD exomes 0.00002 and 0.00005; ExAC 0.00007; gnomAD 0.00012; TOPMed 0.00014; ESP Exome Variant Server 0.00023.
gnomAD v4.1: 47 of 1,613,260 alleles (0.0029%); highest among the groups gnomAD compares: African/African-American, 0.031%; no homozygotes.

Submissions (3):

Ambry Genetics
Classification: Uncertain significance for Inborn genetic diseases. Last evaluated: 2024-12-26. Review status: criteria provided, single submitter. Criteria: Ambry Variant Classification Scheme 2023. Collection method: clinical testing. Allele origin: germline.

GeneDx
Classification: Uncertain significance. Last evaluated: 2024-08-13. Review status: criteria provided, single submitter. Criteria: GeneDx Variant Classification Process June 2021. Collection method: clinical testing. Allele origin: germline. Affected: yes.
Comment: In silico analysis indicates that this missense variant does not alter protein structure/function; Has not been previously published as pathogenic or benign to our knowledge

Labcorp Genetics (formerly Invitae), Labcorp
Classification: Uncertain significance for Early-infantile DEE. Last evaluated: 2022-07-12. Review status: criteria provided, single submitter. Criteria: Invitae Variant Classification Sherloc (09022015). Collection method: clinical testing. Allele origin: germline.
Comment: This sequence change replaces arginine, which is basic and polar, with histidine, which is basic and polar, at codon 216 of the SLC25A22 protein (p.Arg216His). This variant is present in population databases (rs201932343, gnomAD 0.04%). This variant has not been reported in the literature in individuals affected with SLC25A22-related conditions. ClinVar contains an entry for this variant (Variation ID: 418566). Algorithms developed to predict the effect of missense changes on protein structure and function (SIFT, PolyPhen-2, Align-GVGD) all suggest that this variant is likely to be tolerated. In summary, the available evidence is currently insufficient to determine the role of this variant in disease. Therefore, it has been classified as a Variant of Uncertain Significance.

NM_001191061.2(SLC25A22):c.647G>A (p.Arg216His)

Gene: SLC25A22 (solute carrier family 25 member 22; minus strand). Cytogenetic location: 11p15.5.
Variant type: single nucleotide variant.
Coding change: c.647G>A on transcript NM_001191061.2 (MANE Select); coding-DNA position 647, G replaced by A.
Protein change: p.Arg216His; replaces arginine 216 with histidine.
Molecular consequence: missense variant.
Genome position (GRCh38, 1-based): chr11:792,399, C>T on the plus strand (G>A on the coding strand, the complement: SLC25A22 is on the minus strand). VCF-style: chr11-792399-C-T. GRCh37 (hg19) VCF-style: chr11-792399-C-T.
Other names: c.647G>A, p.Arg216His (NM_001191060.2, NM_024698.6); short protein forms R216H.
Identifiers: ClinVar variation 418566 (VCV000418566.14), dbSNP rs201932343, ClinGen allele CA5789110.